The following is an entry in ClinVar:

ClinVar aggregate classification (germline): Likely benign. Review status: criteria provided, single submitter (1 of 4 stars). 2 submissions from 2 submitters: Likely benign (1). 1 of the submissions does not count toward it. Last evaluated 2020-10-15.

Conditions:
FOXH1-related disorder. Also called: FOXH1-related condition.

Allele frequency attached by ClinVar (database versions not stated): gnomAD exomes below 0.00001; TOPMed below 0.00001; gnomAD 0.00001.

Submissions (2):

Blueprint Genetics
Classification: Likely benign. Last evaluated: 2020-10-15. Review status: criteria provided, single submitter. Criteria: ACMG Guidelines, 2015. Collection method: clinical testing. Allele origin: germline.

PreventionGenetics, part of Exact Sciences
Classification: Likely benign for FOXH1-related condition. Last evaluated: 2022-06-08. Review status: no assertion criteria provided. Collection method: clinical testing. Allele origin: germline. Not counted in ClinVar's aggregate classification.
Comment: This variant is classified as likely benign based on ACMG/AMP sequence variant interpretation guidelines (Richards et al. 2015 PMID: 25741868, with internal and published modifications).

NM_003923.3(FOXH1):c.720C>T (p.Pro240=)

Gene: FOXH1 (forkhead box H1; minus strand). Cytogenetic location: 8q24.3.
Variant type: single nucleotide variant.
Coding change: c.720C>T on transcript NM_003923.3 (MANE Select); coding-DNA position 720, C replaced by T.
Protein change: p.Pro240=; no amino-acid change (proline 240 retained).
Molecular consequence: synonymous variant.
Genome position (GRCh38, 1-based): chr8:144,474,616, G>A on the plus strand (C>T on the coding strand, the complement: FOXH1 is on the minus strand). VCF-style: chr8-144474616-G-A. GRCh37 (hg19) VCF-style: chr8-145699999-G-A.
Identifiers: ClinVar variation 3050254 (VCV003050254.3), dbSNP rs1239788503, ClinGen allele CA463560449.